The following is an entry in ClinVar:

NM_003984.4(SLC13A2):c.1326G>A (p.Glu442=)

Gene: SLC13A2 (solute carrier family 13 member 2; plus strand). Cytogenetic location: 17q11.2.
Variant type: single nucleotide variant.
Coding change: c.1326G>A on transcript NM_003984.4 (MANE Select); coding-DNA position 1326, G replaced by A.
Protein change: p.Glu442=; no amino-acid change (glutamic acid 442 retained).
Molecular consequence: synonymous variant.
Genome position (GRCh38, 1-based): chr17:28,495,672, G>A. VCF-style: chr17-28495672-G-A. GRCh37 (hg19) VCF-style: chr17-26822690-G-A.
Other names: c.1473G>A, p.Glu491= (NM_001145975.2); c.1194G>A, p.Glu398= (NM_001346683.2); c.1113G>A, p.Glu371= (NM_001346684.2).
Identifiers: ClinVar variation 64484 (VCV000064484.2), dbSNP rs387907475, ClinGen allele CA216246.

ClinVar aggregate classification (germline): Uncertain significance (0 of 4 stars; one submission).

Allele frequency attached by ClinVar (database versions not stated): gnomAD exomes below 0.00001.
gnomAD v4.1: 4 of 1,611,134 alleles (0.00025%); highest among the groups gnomAD compares: South Asian, 0.0011%; no homozygotes.

Submission:

Martin Pollak Laboratory,  Beth Israel Deaconess Medical Center
Classification: Uncertain significance. Review status: no assertion criteria provided. Collection method: not provided. Allele origin: unknown.
Comment: Lower UCa2+ group
ClinVar note: Converted during submission from unknown to Uncertain significance.